The following is an entry in ClinVar:

ClinVar aggregate classification (germline): Conflicting classifications of pathogenicity. Review status: criteria provided, conflicting classifications (1 of 4 stars). 6 submissions from 6 submitters: Uncertain significance (4); Likely benign (1). 1 of the submissions does not count toward it. Last evaluated 2026-06-09.

Conditions:
Hereditary breast ovarian cancer syndrome. Also called: Hereditary breast and ovarian cancer syndrome; Hereditary breast and ovarian cancer syndrome (HBOC); BRCA1- and BRCA2-Associated Hereditary Breast and Ovarian Cancer; Breast and ovarian cancer; Hereditary breast and ovarian cancer; Hereditary breast and/or ovarian cancer syndrome. Identifiers: Orphanet 145, MedGen C0677776, MeSH D061325, MONDO:0003582. Disease mechanism: loss of function.
Breast-ovarian cancer, familial, susceptibility to, 1 (BROVCA1). Also called: OVARIAN CANCER, SUSCEPTIBILITY TO; BRCA1 Hereditary Breast and Ovarian Cancer. Identifiers: Orphanet 145, MedGen C2676676, MONDO:0011450, OMIM 604370. Disease mechanism: loss of function.
Hereditary cancer-predisposing syndrome. Also called: Hereditary Cancer Syndrome; Hereditary neoplastic syndrome; Tumor predisposition; Neoplastic Syndromes, Hereditary. Identifiers: Orphanet 140162, MedGen C0027672, MeSH D009386, MONDO:0015356.

Allele frequency attached by ClinVar (database versions not stated): gnomAD exomes below 0.00001.
gnomAD v4.1: 2 of 1,613,058 alleles (0.00012%); highest among the groups gnomAD compares: Non-Finnish European, 0.00017%; no homozygotes.

Submissions (7):

German Consortium for Hereditary Breast and Ovarian Cancer, University Hospital Cologne
Classification: Likely benign for Hereditary breast ovarian cancer syndrome. Last evaluated: 2026-06-09. Review status: criteria provided, single submitter. Criteria: ClinGen BRCA1 1.2.0. Collection method: curation. Allele origin: germline.
Comment: This classification follows the ClinGen ENIGMA BRCA1 v1.2.0 classification scheme; We chose these criteria: PM2 (supporting pathogenic): gnomAD v2+v3: absent, BP4 (supporting benign): within BRCA1 RING domain (aa 2-101) BayesDEL: 0.0530984 SpliceAI: 0.06, BS3 (strong benign): functional/neutral in Findlay and Bouwman

Ambry Genetics
Classification: Uncertain significance for Hereditary cancer-predisposing syndrome. Last evaluated: 2025-09-10. Review status: criteria provided, single submitter. Criteria: Ambry Variant Classification Scheme 2023. Collection method: clinical testing. Allele origin: germline.
Comment: The p.S4F variant (also known as c.11C>T), located in coding exon 1 of the BRCA1 gene, results from a C to T substitution at nucleotide position 11. The serine at codon 4 is replaced by phenylalanine, an amino acid with highly dissimilar properties. In one study, functional analysis of this variant using a cisplatin sensitivity assay were inconclusive as repeat experiments showed discordant results (Bouwman P, Cancer Discov 2013 Oct; 3(10):1142-55). This amino acid position is not well conserved in available vertebrate species. In addition, the in silico prediction for this alteration is inconclusive. Since supporting evidence is limited at this time, the clinical significance of this alteration remains unclear.

Color Diagnostics, LLC DBA Color Health
Classification: Uncertain significance for Hereditary cancer-predisposing syndrome. Last evaluated: 2025-07-03. Review status: criteria provided, single submitter. Criteria: ACMG Guidelines, 2015. Collection method: clinical testing. Allele origin: germline.
Comment: This missense variant replaces serine with phenylalanine at codon 4 of the BRCA1 protein. Computational prediction is inconclusive regarding the impact of this variant on protein structure and function. Functional studies have reported that this variant does not impact BRCA1 function in a haploid cell proliferation assay, in sensitivity assays to cisplatin and PARP inhibitor and in BARD1-interaction and E3 ubiquitin ligase assays (PMID: 23867111, 25823446, 30209399, 32546644). To our knowledge, this variant has not been reported in individuals affected with BRCA1-related disorders in the literature. This variant has not been identified in the general population by the Genome Aggregation Database (gnomAD). The available evidence is insufficient to determine the role of this variant in disease conclusively. Therefore, this variant is classified as a Variant of Uncertain Significance.

Labcorp Genetics (formerly Invitae), Labcorp
Classification: Uncertain significance for Hereditary breast ovarian cancer syndrome. Last evaluated: 2024-09-27. Review status: criteria provided, single submitter. Criteria: Invitae Variant Classification Sherloc (09022015). Collection method: clinical testing. Allele origin: germline.
Comment: This sequence change replaces serine, which is neutral and polar, with phenylalanine, which is neutral and non-polar, at codon 4 of the BRCA1 protein (p.Ser4Phe). This variant is not present in population databases (gnomAD no frequency). This missense change has been observed in individual(s) with clinical features of hereditary breast and ovarian cancer syndrome (PMID: 26283626). ClinVar contains an entry for this variant (Variation ID: 186697). Invitae Evidence Modeling incorporating data from in vitro experimental studies (PMID: 30209399) indicates that this missense variant is not expected to disrupt BRCA1 function with a negative predictive value of 95%. Experimental studies have shown that this missense change does not substantially affect BRCA1 function (PMID: 30209399). In summary, the available evidence is currently insufficient to determine the role of this variant in disease. Therefore, it has been classified as a Variant of Uncertain Significance.

Institute for Clinical Genetics, University Hospital TU Dresden, University Hospital TU Dresden
Classification: Uncertain significance. Last evaluated: 2021-11-03. Review status: criteria provided, single submitter. Criteria: ACMG Guidelines, 2015. Collection method: clinical testing. Allele origin: germline.

Counsyl
Classification: Uncertain significance for Breast-ovarian cancer, familial, susceptibility to, 1. Last evaluated: 2017-12-05. Review status: no assertion criteria provided. Collection method: clinical testing. Allele origin: unknown. Not counted in ClinVar's aggregate classification.

Brotman Baty Institute, University of Washington
No classification provided (evidence only). Condition: Breast-ovarian cancer, familial 1. Review status: no classification provided. Collection method: in vitro. Allele origin: not applicable. Functional consequence: functionally_normal. Not counted in ClinVar's aggregate classification.
ClinVar note: "not provided" was previously submitted as the classification for the variant. However, the classification appeared to be based only on an observation of functional data so it was converted to no classification on 2025-07-30.

Literature cited by the submitters: PubMed 23867111 (cited by 3 submitters); PubMed 25823446 (cited by Color Diagnostics, LLC DBA Color Health); PubMed 30209399 (cited by Color Diagnostics, LLC DBA Color Health and Labcorp Genetics (formerly Invitae), Labcorp); PubMed 32546644 (cited by Color Diagnostics, LLC DBA Color Health); PubMed 26283626 (cited by Labcorp Genetics (formerly Invitae), Labcorp).

NM_007294.4(BRCA1):c.11C>T (p.Ser4Phe)

Gene: BRCA1 (BRCA1 DNA repair associated; minus strand). Cytogenetic location: 17q21.31.
Variant type: single nucleotide variant.
Coding change: c.11C>T on transcript NM_007294.4 (MANE Select); coding-DNA position 11, C replaced by T.
Protein change: p.Ser4Phe; replaces serine 4 with phenylalanine.
Molecular consequence: missense variant. On other transcripts: 5 prime UTR variant (1), non-coding transcript variant (1).
Genome position (GRCh38, 1-based): chr17:43,124,086, G>A on the plus strand (C>T on the coding strand, the complement: BRCA1 is on the minus strand). VCF-style: chr17-43124086-G-A. GRCh37 (hg19) VCF-style: chr17-41276103-G-A.
Other names: c.-250C>T (NM_001407921.1, NM_001407923.1, NM_001407927.1 and 22 more transcripts); c.-77C>T (NM_001407924.1, NM_001407925.1, NM_001407928.1 and 23 more transcripts); c.-247C>T (NM_001407930.1, NM_001407942.1, NM_001408455.1 and 11 more transcripts); c.-254C>T (NM_001407934.1, NM_001408497.1, NM_001407741.1); c.11C>T, p.Ser4Phe (NM_001407937.1, NM_001407938.1, NM_001407939.1 and 193 more transcripts); c.-178C>T (NM_001407946.1, NM_001407947.1, NM_001407948.1 and 46 more transcripts); c.-297C>T (NM_001407954.1, NM_001408513.1, NM_001407917.1); c.-409C>T (NM_001407965.1); and 8 more; short protein forms S4F.
Identifiers: ClinVar variation 186697 (VCV000186697.22), dbSNP rs786203152, ClinGen allele CA000789.